The following is an entry in ClinVar:

NM_177939.3(P4HTM):c.1074-36A>T

Gene: P4HTM (prolyl 4-hydroxylase, transmembrane; plus strand). Cytogenetic location: 3p21.31.
Variant type: single nucleotide variant.
Coding change: c.1074-36A>T on transcript NM_177939.3 (MANE Select); 36 bases into the intron before coding-DNA position 1074, A replaced by T.
Molecular consequence: intron variant. On other transcripts: missense variant (1).
Genome position (GRCh38, 1-based): chr3:49,005,741, A>T. VCF-style: chr3-49005741-A-T. GRCh37 (hg19) VCF-style: chr3-49043174-A-T.
Other names: c.1221A>T, p.Gln407His (NM_177938.2); short protein forms Q407H.
Identifiers: ClinVar variation 3895656 (VCV003895656.1).

ClinVar aggregate classification (germline): Uncertain significance (1 of 4 stars; one submission).

gnomAD v4.1: 3 of 1,567,130 alleles (0.00019%); highest among the groups gnomAD compares: Non-Finnish European, 0.00026%; no homozygotes.

Submission:

Women's Health and Genetics/Laboratory Corporation of America, LabCorp
Classification: Uncertain significance. Last evaluated: 2025-03-14. Review status: criteria provided, single submitter. Criteria: LabCorp Variant Classification Summary - May 2015. Collection method: clinical testing. Allele origin: germline.
Comment: Variant summary: P4HTM c.1221A>T (p.Gln407His) results in a non-conservative amino acid change in the encoded protein sequence. Four of five in-silico tools predict a benign effect of the variant on protein function. The variant allele was found at a frequency of 2.1e-06 in 1414912 control chromosomes. The available data on variant occurrences in the general population are insufficient to allow any conclusion about variant significance. To our knowledge, no occurrence of c.1221A>T in individuals affected with Hypotonia, Hypoventilation, Impaired Intellectual Development, Dysautonomia, Epilepsy, And Eye Abnormalities and no experimental evidence demonstrating its impact on protein function have been reported. No submitters have cited clinical-significance assessments for this variant to ClinVar. Based on the evidence outlined above, the variant was classified as uncertain significance.